The following is an entry in ClinVar:

ClinVar aggregate classification (germline): Uncertain significance. Review status: criteria provided, multiple submitters, no conflicts (2 of 4 stars). 2 submissions from 2 submitters: Uncertain significance (2). Last evaluated 2024-11-18.

Conditions:
Primary dilated cardiomyopathy (DCM). Also called: Dilated Cardiomyopathy. Identifiers: Orphanet 217604, MedGen C0007193, MeSH D002311, MONDO:0005021, HP:0001644. Inheritance: Various modes of inheritance.

Allele frequency attached by ClinVar (database versions not stated): gnomAD exomes below 0.00001; TOPMed below 0.00001; ExAC 0.00001.
gnomAD v4.1: 1 of 1,614,270 alleles (0.000062%); highest among the groups gnomAD compares: Admixed American, 0.0017%; no homozygotes.

Submissions (2):

Labcorp Genetics (formerly Invitae), Labcorp
Classification: Uncertain significance for Primary dilated cardiomyopathy. Last evaluated: 2024-11-18. Review status: criteria provided, single submitter. Criteria: Invitae Variant Classification Sherloc (09022015). Collection method: clinical testing. Allele origin: germline.
Comment: This sequence change creates a premature translational stop signal (p.Tyr27*) in the FHL2 gene. It is expected to result in an absent or disrupted protein product. However, the current clinical and genetic evidence is not sufficient to establish whether loss-of-function variants in FHL2 cause disease. This variant is present in population databases (rs727503060, gnomAD 0.003%). This variant has not been reported in the literature in individuals affected with FHL2-related conditions. ClinVar contains an entry for this variant (Variation ID: 163494). In summary, the available evidence is currently insufficient to determine the role of this variant in disease. Therefore, it has been classified as a Variant of Uncertain Significance.

Laboratory for Molecular Medicine, Mass General Brigham Personalized Medicine
Classification: Uncertain significance. Last evaluated: 2014-03-14. Review status: criteria provided, single submitter. Criteria: LMM Criteria. Collection method: clinical testing. Allele origin: germline. Observed: 1 variant allele.
Comment: The Tyr27X variant in FHL2 has not been reported in individuals with cardiomyopa thy or in large population studies. This nonsense variant leads to a premature t ermination codon at position 27, which is predicted to lead to a truncated or ab sent protein. A single missense variant in FHL2 has been reported in a family wi th DCM (Arimura 2007); however, it remains unclear if this gene plays a role in the etiology of cardiomyopathy and if loss-of-function is a mechanism of disease for this gene. At this time, additional information is needed to fully assess t he clinical significance of this variant.

NM_001318895.3(FHL2):c.81C>A (p.Tyr27Ter)

Gene: FHL2 (four and a half LIM domains 2; minus strand). Cytogenetic location: 2q12.2.
Variant type: single nucleotide variant.
Coding change: c.81C>A on transcript NM_001318895.3 (MANE Select); coding-DNA position 81, C replaced by A.
Protein change: p.Tyr27Ter; replaces tyrosine 27 with a stop codon.
Molecular consequence: nonsense. On other transcripts: 5 prime UTR variant (3).
Genome position (GRCh38, 1-based): chr2:105,386,436, G>T on the plus strand (C>A on the coding strand, the complement: FHL2 is on the minus strand). VCF-style: chr2-105386436-G-T. GRCh37 (hg19) VCF-style: chr2-106002893-G-T.
Other names: c.81C>A, p.Tyr27Ter (NM_001039492.3, NM_001318894.1, NM_001318896.2 and 4 more transcripts); c.-87C>A (NM_001318897.2, NM_001318898.2); c.-366C>A (NM_001318899.2); short protein forms Y27*.
Identifiers: ClinVar variation 163494 (VCV000163494.10), dbSNP rs727503060, ClinGen allele CA176123.